The following is an entry in ClinVar:

NM_002582.4(PARN):c.189C>G (p.Asp63Glu)

Gene: PARN (poly(A)-specific ribonuclease; minus strand). Cytogenetic location: 16p13.12.
Variant type: single nucleotide variant.
Coding change: c.189C>G on transcript NM_002582.4 (MANE Select); coding-DNA position 189, C replaced by G.
Protein change: p.Asp63Glu; replaces aspartic acid 63 with glutamic acid.
Molecular consequence: missense variant. On other transcripts: intron variant (1).
Genome position (GRCh38, 1-based): chr16:14,627,325, G>C on the plus strand (C>G on the coding strand, the complement: PARN is on the minus strand). VCF-style: chr16-14627325-G-C. GRCh37 (hg19) VCF-style: chr16-14721182-G-C.
Other names: c.6C>G, p.Asp2Glu (NM_001134477.3); c.159-189C>G (NM_001242992.2); short protein forms D2E, D63E.
Identifiers: ClinVar variation 2193482 (VCV002193482.4), dbSNP rs1379319792, ClinGen allele CA394816544.

ClinVar aggregate classification (germline): Uncertain significance (1 of 4 stars; one submission).

Conditions:
Dyskeratosis congenita, autosomal recessive 6 (DKCB6). Identifiers: MedGen C4225356, MONDO:0014600, OMIM 616353.
Pulmonary fibrosis and/or bone marrow failure, Telomere-related, 4. Also called: PULMONARY FIBROSIS AND/OR BONE MARROW FAILURE SYNDROME, TELOMERE-RELATED, 4. Identifiers: Orphanet 2032, MedGen C4225347, MONDO:0014612, OMIM 616371.

Allele frequency attached by ClinVar (database versions not stated): gnomAD 0.00001.

Submission:

Labcorp Genetics (formerly Invitae), Labcorp
Classification: Uncertain significance for Dyskeratosis congenita, autosomal recessive 6; Pulmonary fibrosis and/or bone marrow failure, Telomere-related, 4. Last evaluated: 2022-08-23. Review status: criteria provided, single submitter. Criteria: Invitae Variant Classification Sherloc (09022015). Collection method: clinical testing. Allele origin: germline.
Comment: In summary, the available evidence is currently insufficient to determine the role of this variant in disease. Therefore, it has been classified as a Variant of Uncertain Significance. Algorithms developed to predict the effect of missense changes on protein structure and function (SIFT, PolyPhen-2, Align-GVGD) all suggest that this variant is likely to be tolerated. This variant has not been reported in the literature in individuals affected with PARN-related conditions. The frequency data for this variant in the population databases is considered unreliable, as metrics indicate poor data quality at this position in the gnomAD database. This sequence change replaces aspartic acid, which is acidic and polar, with glutamic acid, which is acidic and polar, at codon 63 of the PARN protein (p.Asp63Glu).